The following is an entry in ClinVar:

NM_001384474.1(LOXHD1):c.1795T>C (p.Phe599Leu)

Gene: LOXHD1 (lipoxygenase homology PLAT domains 1; minus strand). Cytogenetic location: 18q21.1.
Variant type: single nucleotide variant.
Coding change: c.1795T>C on transcript NM_001384474.1 (MANE Select); coding-DNA position 1795, T replaced by C.
Protein change: p.Phe599Leu; replaces phenylalanine 599 with leucine.
Molecular consequence: missense variant.
Genome position (GRCh38, 1-based): chr18:46,579,644, A>G on the plus strand (T>C on the coding strand, the complement: LOXHD1 is on the minus strand). VCF-style: chr18-46579644-A-G. GRCh37 (hg19) VCF-style: chr18-44159607-A-G.
Other names: c.1795T>C, p.Phe599Leu (NM_144612.7); short protein forms F599L.
Identifiers: ClinVar variation 891861 (VCV000891861.8), dbSNP rs776769626, ClinGen allele CA8952760.

ClinVar aggregate classification (germline): Uncertain significance. Review status: criteria provided, multiple submitters, no conflicts (2 of 4 stars). 5 submissions from 5 submitters: Uncertain significance (5). Last evaluated 2024-11-22.

Conditions:
Inborn genetic diseases. Identifiers: MedGen C0950123, MeSH D030342.
Autosomal recessive nonsyndromic hearing loss 77. Identifiers: Orphanet 90636, MedGen C2746083, MONDO:0013119, OMIM 613079.

Allele frequency attached by ClinVar (database versions not stated): ExAC 0.00009; gnomAD 0.00009; gnomAD exomes 0.00009 and 0.00028; TOPMed 0.00012.
gnomAD v4.1: 392 of 1,551,500 alleles (0.025%); highest among the groups gnomAD compares: Non-Finnish European, 0.033%; no homozygotes.

Submissions (5):

Ambry Genetics
Classification: Uncertain significance for Inborn genetic diseases. Last evaluated: 2024-11-22. Review status: criteria provided, single submitter. Criteria: Ambry Variant Classification Scheme 2023. Collection method: clinical testing. Allele origin: germline.

Blueprint Genetics
Classification: Uncertain significance. Last evaluated: 2024-07-29. Review status: criteria provided, single submitter. Criteria: ACMG Guidelines, 2015. Collection method: clinical testing. Allele origin: germline.

Labcorp Genetics (formerly Invitae), Labcorp
Classification: Uncertain significance. Last evaluated: 2022-09-30. Review status: criteria provided, single submitter. Criteria: Invitae Variant Classification Sherloc (09022015). Collection method: clinical testing. Allele origin: germline.
Comment: This sequence change replaces phenylalanine, which is neutral and non-polar, with leucine, which is neutral and non-polar, at codon 599 of the LOXHD1 protein (p.Phe599Leu). This variant is present in population databases (rs776769626, gnomAD 0.02%). This variant has not been reported in the literature in individuals affected with LOXHD1-related conditions. ClinVar contains an entry for this variant (Variation ID: 891861). Algorithms developed to predict the effect of missense changes on protein structure and function are either unavailable or do not agree on the potential impact of this missense change (SIFT: "Deleterious"; PolyPhen-2: "Benign"; Align-GVGD: "Class C0"). In summary, the available evidence is currently insufficient to determine the role of this variant in disease. Therefore, it has been classified as a Variant of Uncertain Significance.

Fulgent Genetics
Classification: Uncertain significance for Autosomal recessive nonsyndromic hearing loss 77. Last evaluated: 2022-01-18. Review status: criteria provided, single submitter. Criteria: ACMG Guidelines, 2015. Collection method: clinical testing. Allele origin: unknown.

Illumina Laboratory Services, Illumina
Classification: Uncertain significance for Autosomal recessive nonsyndromic hearing loss 77. Last evaluated: 2018-01-15. Review status: criteria provided, single submitter. Criteria: ICSL Variant Classification Criteria 13 December 2019. Collection method: clinical testing. Allele origin: germline.